The following is an entry in ClinVar:

ClinVar aggregate classification (germline): Uncertain significance. Review status: criteria provided, multiple submitters, no conflicts (2 of 4 stars). 2 submissions from 2 submitters: Uncertain significance (2). Last evaluated 2024-01-09.

Allele frequency attached by ClinVar (database versions not stated): gnomAD exomes below 0.00001.
gnomAD v4.1: 5 of 1,614,132 alleles (0.00031%); highest among the groups gnomAD compares: South Asian, 0.0022%; no homozygotes.

Submissions (2):

Labcorp Genetics (formerly Invitae), Labcorp
Classification: Uncertain significance. Last evaluated: 2024-01-09. Review status: criteria provided, single submitter. Criteria: Invitae Variant Classification Sherloc (09022015). Collection method: clinical testing. Allele origin: germline.
Comment: This sequence change replaces serine, which is neutral and polar, with arginine, which is basic and polar, at codon 123 of the KLC2 protein (p.Ser123Arg). This variant is present in population databases (no rsID available, gnomAD 0.003%). This variant has not been reported in the literature in individuals affected with KLC2-related conditions. ClinVar contains an entry for this variant (Variation ID: 2609318). An algorithm developed to predict the effect of missense changes on protein structure and function (PolyPhen-2) suggests that this variant is likely to be disruptive. In summary, the available evidence is currently insufficient to determine the role of this variant in disease. Therefore, it has been classified as a Variant of Uncertain Significance.

Ambry Genetics
Classification: Uncertain significance. Last evaluated: 2023-07-27. Review status: criteria provided, single submitter. Criteria: Ambry Variant Classification Scheme 2023. Collection method: clinical testing. Allele origin: germline.

NM_001318734.2(KLC2):c.369T>G (p.Ser123Arg)

Genes: KLC2 (kinesin light chain 2; plus strand), KLC2-AS1 (KLC2 antisense RNA 1; minus strand). Cytogenetic location: 11q13.2.
Variant type: single nucleotide variant.
Coding change: c.369T>G on transcript NM_001318734.2 (MANE Select); coding-DNA position 369, T replaced by G.
Protein change: p.Ser123Arg; replaces serine 123 with arginine.
Molecular consequence: missense variant. On other transcripts: non-coding transcript variant (1), intron variant (1).
Genome position (GRCh38, 1-based): chr11:66,261,882, T>G. VCF-style: chr11-66261882-T-G. GRCh37 (hg19) VCF-style: chr11-66029353-T-G.
Other names: c.369T>G, p.Ser123Arg (NM_001134775.2, NM_001134776.2, NM_022822.3); c.229-241T>G (NM_001134774.2); short protein forms S123R.
Identifiers: ClinVar variation 2609318 (VCV002609318.5), dbSNP rs1462468053, ClinGen allele CA381391659.